The following is an entry in ClinVar:

ClinVar aggregate classification (germline): Uncertain significance. Review status: criteria provided, multiple submitters, no conflicts (2 of 4 stars). 2 submissions from 2 submitters: Uncertain significance (2). Last evaluated 2025-04-16.

Submissions (2):

Revvity Omics, Revvity
Classification: Uncertain significance. Last evaluated: 2025-04-16. Review status: criteria provided, single submitter. Criteria: ACMG Guidelines, 2015. Collection method: clinical testing. Allele origin: germline.

Labcorp Genetics (formerly Invitae), Labcorp
Classification: Uncertain significance. Last evaluated: 2021-10-22. Review status: criteria provided, single submitter. Criteria: Invitae Variant Classification Sherloc (09022015). Collection method: clinical testing. Allele origin: germline.
Comment: In summary, the available evidence is currently insufficient to determine the role of this variant in disease. Therefore, it has been classified as a Variant of Uncertain Significance. Experimental studies and prediction algorithms are not available or were not evaluated, and the functional significance of this variant is currently unknown. This variant has not been reported in the literature in individuals affected with DEAF1-related conditions. The frequency data for this variant in the population databases is considered unreliable, as metrics indicate poor data quality at this position in the gnomAD database. This variant, c.84_86dup, results in the insertion of 1 amino acid(s) of the DEAF1 protein (p.Ala33dup), but otherwise preserves the integrity of the reading frame.

NM_021008.4(DEAF1):c.75GGC[5] (p.Ala33_Gly34insAla)

Gene: DEAF1 (DEAF1 transcription factor; minus strand). Cytogenetic location: 11p15.5.
Variant type: Microsatellite.
Coding change: c.75GGC[5] on transcript NM_021008.4 (MANE Select); five copies in a row of the 3-base unit GGC starting at c.75; the reference has four copies in a row; one copy, 3 bases duplicated; also written c.84_86dup.
Protein change: p.Ala33_Gly34insAla.
Molecular consequence: inframe insertion. On other transcripts: inframe indel (1), intron variant (1).
Genome position (GRCh38, 1-based): chr11:694,962-694,964, GCC duplicated on the plus strand (GGC on the coding strand, the reverse complement: DEAF1 is on the minus strand); duplicating any 3 consecutive bases within chr11:694,962-694,973 gives the same sequence; the position shown is the placement nearest the transcript's 3' end. VCF-style (leftmost placement, unchanged base first): chr11-694961-G-GGCC. GRCh37 (hg19) VCF-style: chr11-694961-G-GGCC.
Other names: c.84_86dup (NM_021008.3); c.75_77GGC[5], p.Ala33_Gly34insAla (NM_001293634.2); c.-437-3375GGC[5] (NM_001367390.1).
Identifiers: ClinVar variation 2067475 (VCV002067475.5), dbSNP rs774959342, ClinGen allele CA5786671.
Genomic context (GRCh38, chr11:694,961, plus strand): 5'-CTCCGAGTCCTCGTCCCTGCTCAGCACCGGCTCCTCCGCCTCGCCTCCTGCCGCGGCCGC[G>GGCC]GCCGCCGCCGCCACAGCGGCCGCGGCCGCCACCGCCGCCGCCTCAGCCAGGCCCAGCTGC-3'